The following is an entry in ClinVar:

NC_000012.12:g.121626899C>T

Genes: ORAI1 (ORAI calcium release-activated calcium modulator 1; plus strand), LOC130008987 (ATAC-STARR-seq lymphoblastoid silent region 4981; plus strand). Cytogenetic location: 12q24.31.
Variant type: single nucleotide variant.
Genome position: GRCh38 VCF-style: chr12-121626899-C-T. GRCh37 (hg19) VCF-style: chr12-122064805-C-T.
Other names: c.152C>T, p.Thr51Ile (NM_032790.4); short protein forms T51I.
Identifiers: ClinVar variation 1035368 (VCV001035368.7), dbSNP rs553962719, ClinGen allele CA244608434.

ClinVar aggregate classification (germline): Uncertain significance (1 of 4 stars; one submission).

Conditions:
Combined immunodeficiency due to ORAI1 deficiency. Also called: IMMUNODEFICIENCY 9. Identifiers: Orphanet 169090, Orphanet 317428, MedGen C2748568, MONDO:0013007, OMIM 612782.
Myopathy, tubular aggregate, 2 (TAM2). Identifiers: MedGen C4014557, MONDO:0014383, OMIM 615883.

Allele frequency attached by ClinVar (database versions not stated): 1000 Genomes Project 30x 0.00016; gnomAD exomes 0.00001; 1000 Genomes Project 0.00020; ExAC 0.00002.

Submission:

Labcorp Genetics (formerly Invitae), Labcorp
Classification: Uncertain significance for Myopathy, tubular aggregate, 2; Combined immunodeficiency due to ORAI1 deficiency. Last evaluated: 2025-10-21. Review status: criteria provided, single submitter. Criteria: Invitae Variant Classification Sherloc (09022015). Collection method: clinical testing. Allele origin: germline.
Comment: This sequence change replaces threonine, which is neutral and polar, with isoleucine, which is neutral and non-polar, at codon 51 of the ORAI1 protein (p.Thr51Ile). This variant is present in population databases (rs553962719, gnomAD 0.005%). This variant has not been reported in the literature in individuals affected with ORAI1-related conditions. ClinVar contains an entry for this variant (Variation ID: 1035368). Experimental studies and prediction algorithms are not available or were not evaluated, and the functional significance of this variant is currently unknown. In summary, the available evidence is currently insufficient to determine the role of this variant in disease. Therefore, it has been classified as a Variant of Uncertain Significance.